The following is an entry in ClinVar:

ClinVar aggregate classification (germline): Pathogenic (1 of 4 stars; one submission).

Submission:

GeneDx
Classification: Pathogenic. Last evaluated: 2023-08-03. Review status: criteria provided, single submitter. Criteria: GeneDx Variant Classification Process June 2021. Collection method: clinical testing. Allele origin: germline. Affected: yes.
Comment: Frameshift variant predicted to result in protein truncation, as the last 625 amino acids are replaced with 9 different amino acids, and other loss-of-function variants have been reported downstream in HGMD.; Not observed at significant frequency in large population cohorts (gnomAD); This variant is associated with the following publications: (PMID: 34436830)

NM_030632.3(ASXL3):c.4871_4874del (p.His1624fs)

Gene: ASXL3 (ASXL transcriptional regulator 3; plus strand). Cytogenetic location: 18q12.1.
Variant type: Microsatellite.
Coding change: c.4871_4874del on transcript NM_030632.3 (MANE Select); coding-DNA positions 4871 to 4874, 4 bases deleted (ACTC; older notation c.4871_4874delACTC).
Protein change: p.His1624fs; shifts the reading frame from histidine 1624.
Molecular consequence: frameshift variant.
Genome position (GRCh38, 1-based): chr18:33,744,719-33,744,722, ACTC deleted; deleting any 4 consecutive bases within chr18:33,744,715-33,744,722 gives the same sequence; the c. name uses the placement nearest the transcript's 3' end. VCF-style (leftmost placement, unchanged base first): chr18-33744714-TACTC-T. GRCh37 (hg19) VCF-style: chr18-31324678-TACTC-T.
Other names: short protein forms H1624fs.
Identifiers: ClinVar variation 3342603 (VCV003342603.1).
Genomic context (GRCh38, chr18:33,744,714, plus strand): 5'-CCCAAGTAACCGGATTTGCTGGAATGATGATGGGATGAGGAGCACAGGACAGCCTCTGGT[TACTC>T]ACTCGGGTTCAAGTAAACAAAAAGAATATCTAGAGCAAAGCTGTCCAAAGGCTATCAAAA-3'